The following is an entry in ClinVar:

ClinVar aggregate classification (germline): Uncertain significance (1 of 4 stars; one submission).

Allele frequency attached by ClinVar (database versions not stated): gnomAD 0.00001; gnomAD exomes 0.00001; TOPMed 0.00001; 1000 Genomes Project 30x 0.00016; 1000 Genomes Project 0.00020.
gnomAD v4.1: 9 of 1,612,314 alleles (0.00056%); highest among the groups gnomAD compares: Admixed American, 0.0033%; no homozygotes.

Submission:

Labcorp Genetics (formerly Invitae), Labcorp
Classification: Uncertain significance. Last evaluated: 2021-10-09. Review status: criteria provided, single submitter. Criteria: Invitae Variant Classification Sherloc (09022015). Collection method: clinical testing. Allele origin: germline.
Comment: In summary, the available evidence is currently insufficient to determine the role of this variant in disease. Therefore, it has been classified as a Variant of Uncertain Significance. Algorithms developed to predict the effect of missense changes on protein structure and function (SIFT, PolyPhen-2, Align-GVGD) all suggest that this variant is likely to be disruptive. This variant has not been reported in the literature in individuals affected with MCM5-related conditions. This variant is not present in population databases (ExAC no frequency). This sequence change replaces alanine with threonine at codon 470 of the MCM5 protein (p.Ala470Thr). The alanine residue is highly conserved and there is a small physicochemical difference between alanine and threonine.

NM_006739.4(MCM5):c.1408G>A (p.Ala470Thr)

Gene: MCM5 (minichromosome maintenance complex component 5; plus strand). Cytogenetic location: 22q12.3.
Variant type: single nucleotide variant.
Coding change: c.1408G>A on transcript NM_006739.4 (MANE Select); coding-DNA position 1408, G replaced by A.
Protein change: p.Ala470Thr; replaces alanine 470 with threonine.
Molecular consequence: missense variant.
Genome position (GRCh38, 1-based): chr22:35,416,399, G>A. VCF-style: chr22-35416399-G-A. GRCh37 (hg19) VCF-style: chr22-35812392-G-A.
Other names: short protein forms A470T.
Identifiers: ClinVar variation 1441358 (VCV001441358.6), dbSNP rs528509244, ClinGen allele CA323493925.
Genomic context (GRCh38, chr22:35,416,399, plus strand): 5'-ATGCGAGAAGATGACCGTGTGGCAATCCACGAAGCCATGGAGCAGCAGACCATCTCTATC[G>A]CCAAGGTGAGTGGCCCTCCATGGAGAGCCCAGCCTGCAGCAGCCCAGCGTGGCCCAACCG-3'
Protein context (NP_006730.2, residues 460-480): EAMEQQTISI[Ala470Thr]KAGITTTLNS